The following is an entry in ClinVar:

ClinVar aggregate classification (germline): Uncertain significance (1 of 4 stars; one submission).

Conditions:
Nemaline myopathy 2 (NEM2). Also called: Nemaline myopathy 2, autosomal recessive. Identifiers: MedGen C1850569, MONDO:0009725, OMIM 256030.

Allele frequency attached by ClinVar (database versions not stated): TOPMed below 0.00001; gnomAD 0.00001.
gnomAD v4.1: 4 of 1,613,822 alleles (0.00025%); highest among the groups gnomAD compares: Non-Finnish European, 0.00034%; no homozygotes.

Submission:

Labcorp Genetics (formerly Invitae), Labcorp
Classification: Uncertain significance for Nemaline myopathy 2. Last evaluated: 2022-01-31. Review status: criteria provided, single submitter. Criteria: Invitae Variant Classification Sherloc (09022015). Collection method: clinical testing. Allele origin: germline.
Comment: This sequence change replaces serine, which is neutral and polar, with asparagine, which is neutral and polar, at codon 2944 of the NEB protein (p.Ser2944Asn). This variant is not present in population databases (gnomAD no frequency). This variant has not been reported in the literature in individuals affected with NEB-related conditions. Algorithms developed to predict the effect of missense changes on protein structure and function are either unavailable or do not agree on the potential impact of this missense change (SIFT: "Deleterious"; PolyPhen-2: "Not Available"; Align-GVGD: "Class C0"). In summary, the available evidence is currently insufficient to determine the role of this variant in disease. Therefore, it has been classified as a Variant of Uncertain Significance.

NM_001164508.2(NEB):c.8831G>A (p.Ser2944Asn)

Gene: NEB (nebulin; minus strand). Cytogenetic location: 2q23.3.
Variant type: single nucleotide variant.
Coding change: c.8831G>A on transcript NM_001164508.2 (MANE Select); coding-DNA position 8831, G replaced by A.
Protein change: p.Ser2944Asn; replaces serine 2944 with asparagine.
Molecular consequence: missense variant.
Genome position (GRCh38, 1-based): chr2:151,639,915, C>T on the plus strand (G>A on the coding strand, the complement: NEB is on the minus strand). VCF-style: chr2-151639915-C-T. GRCh37 (hg19) VCF-style: chr2-152496429-C-T.
Other names: c.8831G>A, p.Ser2944Asn (NM_001164507.2, NM_001271208.2, NM_004543.5); short protein forms S2944N.
Identifiers: ClinVar variation 2091113 (VCV002091113.1), dbSNP rs1326793819, ClinGen allele CA348809172.